The following is an entry in ClinVar:

ClinVar aggregate classification (germline): Pathogenic/Likely pathogenic. Review status: criteria provided, multiple submitters, no conflicts (2 of 4 stars). 5 submissions from 5 submitters: Pathogenic (2); Likely pathogenic (1). 2 of the submissions do not count toward it. Last evaluated 2024-04-03.

Conditions:
Charcot-Marie-Tooth disease recessive intermediate A (CMTRIA). Also called: CHARCOT-MARIE-TOOTH NEUROPATHY, RECESSIVE INTERMEDIATE A. Identifiers: Orphanet 217055, MedGen C1842197, MONDO:0012014, OMIM 608340.
Charcot-Marie-Tooth disease, axonal, with vocal cord paresis, autosomal recessive. Also called: CHARCOT-MARIE-TOOTH DISEASE, TYPE 4A, AXONAL FORM; CHARCOT-MARIE-TOOTH NEUROPATHY, AXONAL, WITH VOCAL CORD PARESIS, AUTOSOMAL RECESSIVE; CMT2 WITH VOCAL CORD PARESIS, AUTOSOMAL RECESSIVE. Identifiers: Orphanet 101097, MedGen C1843183, MONDO:0011898, OMIM 607706.
Charcot-Marie-Tooth disease axonal type 2K (CMT2K). Also called: Charcot-Marie-Tooth disease type 2K; CHARCOT-MARIE-TOOTH DISEASE, AXONAL, AUTOSOMAL RECESSIVE, TYPE 2K; CHARCOT-MARIE-TOOTH NEUROPATHY, AXONAL, TYPE 2K. Identifiers: Orphanet 101097, Orphanet 99944, MedGen C1842983, MONDO:0011916, OMIM 607831.
Charcot-Marie-Tooth disease type 4A. Also called: Charcot-Marie-Tooth disease, demyelinating, autosomal recessive, type 4a. Identifiers: Orphanet 99948, MedGen C1859198, MONDO:0008961, OMIM 214400.
Charcot-Marie-Tooth disease. Also called: Charcot-Marie-Tooth Hereditary Neuropathy; Charcot-Marie-Tooth Neuropathy. Identifiers: Orphanet 166, MedGen C0007959, MONDO:0015626.

Allele frequency attached by ClinVar (database versions not stated): gnomAD exomes below 0.00001 and 0.00002; TOPMed 0.00002; gnomAD 0.00003.

Submissions (5):

Fulgent Genetics
Classification: Likely pathogenic for Charcot-Marie-Tooth disease type 4A; Charcot-Marie-Tooth disease, axonal, with vocal cord paresis, autosomal recessive; Charcot-Marie-Tooth disease axonal type 2K; Charcot-Marie-Tooth disease recessive intermediate A. Last evaluated: 2024-04-03. Review status: criteria provided, single submitter. Criteria: ACMG Guidelines, 2015. Collection method: clinical testing. Allele origin: germline.

Labcorp Genetics (formerly Invitae), Labcorp
Classification: Pathogenic for Charcot-Marie-Tooth disease type 4A. Last evaluated: 2024-02-07. Review status: criteria provided, single submitter. Criteria: Invitae Variant Classification Sherloc (09022015). Collection method: clinical testing. Allele origin: germline.
Comment: This sequence change creates a premature translational stop signal (p.Glu168Serfs*4) in the GDAP1 gene. It is expected to result in an absent or disrupted protein product. Loss-of-function variants in GDAP1 are known to be pathogenic (PMID: 11743580). This variant is present in population databases (no rsID available, gnomAD 0.0009%). This premature translational stop signal has been observed in individual(s) with Charcot-Marie-Tooth disease (PMID: 25614874). ClinVar contains an entry for this variant (Variation ID: 280104). For these reasons, this variant has been classified as Pathogenic.

GeneDx
Classification: Pathogenic. Last evaluated: 2016-07-20. Review status: criteria provided, single submitter. Criteria: GeneDx Variant Classification (06012015). Collection method: clinical testing. Allele origin: germline. Affected: yes.
Comment: The c.501delA pathogenic variant in the GDAP1 gene has been reported previously in association with CMT; however, additional clinical information and inheritance pattern were not reported (DiVincenzo et al., 2015). The c.501delA deletion causes a frameshift starting with codon Glutamic acid 168, changes this amino acid to a Serine residue and creates a premature Stop codon at position4 of the new reading frame, denoted p.Glu168SerfsX4. This pathogenic variant is predicted to cause loss of normal protein function either through protein truncation or nonsense-mediated mRNA decay.

Inherited Neuropathy Consortium Ii, University Of Miami
Classification: Uncertain significance for Charcot-Marie-Tooth disease axonal type 2K. Last evaluated: 2016-01-06. Review status: no assertion criteria provided. Collection method: literature only. Allele origin: germline. Affected: yes. Not counted in ClinVar's aggregate classification.

Inherited Neuropathy Consortium
Classification: Pathogenic for Charcot-Marie-Tooth disease. Review status: no assertion criteria provided. Collection method: literature only. Allele origin: germline. Affected: yes. Not counted in ClinVar's aggregate classification.

Literature cited by the submitters: PubMed 11743580 (cited by Labcorp Genetics (formerly Invitae), Labcorp); PubMed 25614874 (cited by 3 submitters).

NM_018972.4(GDAP1):c.501del (p.Glu168fs)

Gene: GDAP1 (ganglioside induced differentiation associated protein 1; plus strand). Cytogenetic location: 8q21.11.
Variant type: Deletion.
Coding change: c.501del on transcript NM_018972.4 (MANE Select); coding-DNA position 501, one base deleted (A; older notation c.501delA).
Protein change: p.Glu168fs; shifts the reading frame from glutamic acid 168.
Molecular consequence: frameshift variant.
Genome position (GRCh38, 1-based): chr8:74,361,900, A deleted. VCF-style (leftmost placement, unchanged base first): chr8-74361899-CA-C. GRCh37 (hg19) VCF-style: chr8-75274134-CA-C.
Other names: c.297del, p.Glu100fs (NM_001040875.4); c.174del, p.Glu59fs (NM_001362929.2, NM_001362932.2); c.327del, p.Glu110fs (NM_001362930.2); c.501del, p.Glu168fs (NM_001362931.2); short protein forms E59fs, E100fs, E110fs, E168fs.
Identifiers: ClinVar variation 280104 (VCV000280104.9), dbSNP rs886041386, ClinGen allele CA10603000.